The following is an entry in ClinVar:

ClinVar aggregate classification (germline): Uncertain significance (1 of 4 stars; one submission).

Conditions:
Cardiovascular phenotype. Identifiers: MedGen CN230736.

Allele frequency attached by ClinVar (database versions not stated): gnomAD exomes below 0.00001; TOPMed below 0.00001; gnomAD 0.00001.
gnomAD v4.1: 2 of 1,613,386 alleles (0.00012%); highest among the groups gnomAD compares: Non-Finnish European, 0.00017%; no homozygotes.

Submission:

Ambry Genetics
Classification: Uncertain significance for Cardiovascular phenotype. Last evaluated: 2023-08-03. Review status: criteria provided, single submitter. Criteria: Ambry Variant Classification Scheme 2023. Collection method: clinical testing. Allele origin: germline.
Comment: The p.G2087R variant (also known as c.6259G>A), located in coding exon 8 of the ALMS1 gene, results from a G to A substitution at nucleotide position 6259. The glycine at codon 2087 is replaced by arginine, an amino acid with dissimilar properties. This amino acid position is not well conserved in available vertebrate species. In addition, this alteration is predicted to be tolerated by in silico analysis. Since supporting evidence is limited at this time, the clinical significance of this alteration remains unclear.

NM_001378454.1(ALMS1):c.6256G>A (p.Gly2086Arg)

Gene: ALMS1 (ALMS1 centrosome and basal body associated protein; plus strand). Cytogenetic location: 2p13.1.
Variant type: single nucleotide variant.
Coding change: c.6256G>A on transcript NM_001378454.1 (MANE Select); coding-DNA position 6256, G replaced by A.
Protein change: p.Gly2086Arg; replaces glycine 2086 with arginine.
Molecular consequence: missense variant.
Genome position (GRCh38, 1-based): chr2:73,452,783, G>A. VCF-style: chr2-73452783-G-A. GRCh37 (hg19) VCF-style: chr2-73679910-G-A.
Other names: c.6259G>A, p.Gly2087Arg (NM_015120.4); short protein forms G2087R, G2086R.
Identifiers: ClinVar variation 2626197 (VCV002626197.2), dbSNP rs1433966083, ClinGen allele CA347285443.